The following is an entry in ClinVar:

ClinVar aggregate classification (germline): conflicting data from submitters (0 of 4 stars; one submission).

Submission:

ISCA site 1
Classification: conflicting data from submitters. Last evaluated: 2013-02-04. Review status: no assertion criteria provided. Collection method: clinical testing. Allele origin: maternal, unknown. Affected: yes. Observed: 2 variant alleles.
Comment: Uncertain significance(1), Likely benign (1)

Copy number variation identified through the course of routine clinical cytogenomic testing in postnatal populations, with clinical assertions as classified by the original submitter. For data from the original published study, Kaminsky, et al. 2011 (PubMed 21844811), please see nstd101.

GRCh38/hg38 Xq21.31(chrX:88596063-88882623)x1

Genes: CPXCR1 (CPX chromosome region candidate 1; plus strand), LOC126863288 (P300/CBP strongly-dependent group 1 enhancer GRCh37_chrX:87990232-87991431; plus strand). Cytogenetic location: Xq21.31.
Variant type: copy number loss.
Change: copy number 1 of chrX:88,596,063-88,882,623 (286.6 kb, GRCh38 coordinates, 1-based), cytogenetic band Xq21.31.
Identifiers: ClinVar variation 149980 (VCV000149980.2).